The following is an entry in ClinVar:

NM_058216.3(RAD51C):c.356A>G (p.Lys119Arg)

Gene: RAD51C (RAD51 paralog C; plus strand). Cytogenetic location: 17q22.
Variant type: single nucleotide variant.
Coding change: c.356A>G on transcript NM_058216.3 (MANE Select); coding-DNA position 356, A replaced by G.
Protein change: p.Lys119Arg; replaces lysine 119 with arginine.
Molecular consequence: missense variant. On other transcripts: non-coding transcript variant (2).
Genome position (GRCh38, 1-based): chr17:58,695,141, A>G. VCF-style: chr17-58695141-A-G. GRCh37 (hg19) VCF-style: chr17-56772502-A-G.
Other names: c.356A>G, p.Lys119Arg (NM_002876.4); short protein forms K119R.
Identifiers: ClinVar variation 849699 (VCV000849699.13), dbSNP rs2047956106, ClinGen allele CA400341618.
Genomic context (GRCh38, chr17:58,695,141, plus strand): 5'-TCATAATCACCTTCTGTTCAGCACTAGATGATATTCTTGGGGGTGGAGTGCCCTTAATGA[A>G]AACAACAGAAATTTGTGGTGCACCAGGTGTTGGAAAAACACAATTATGGTAAAATAAAGT-3'
Protein context (NP_478123.1, residues 109-129): DILGGGVPLM[Lys119Arg]TTEICGAPGV

ClinVar aggregate classification (germline): Conflicting classifications of pathogenicity. Review status: criteria provided, conflicting classifications (1 of 4 stars). 2 submissions from 2 submitters: Uncertain significance (1); Likely benign (1). Last evaluated 2025-09-25.

Conditions:
Fanconi anemia complementation group O. Also called: RAD51C-Related Fanconi Anemia. Identifiers: Orphanet 84, MedGen C3150653, MONDO:0013248, OMIM 613390.
Hereditary cancer-predisposing syndrome. Also called: Neoplastic Syndromes, Hereditary; Hereditary Cancer Syndrome; Hereditary neoplastic syndrome; Tumor predisposition. Identifiers: Orphanet 140162, MedGen C0027672, MeSH D009386, MONDO:0015356.

Submissions (2):

Ambry Genetics
Classification: Likely benign for Hereditary cancer-predisposing syndrome. Last evaluated: 2025-09-25. Review status: criteria provided, single submitter. Criteria: Ambry Variant Classification Scheme 2023. Collection method: clinical testing. Allele origin: germline.

Labcorp Genetics (formerly Invitae), Labcorp
Classification: Uncertain significance for Fanconi anemia complementation group O. Last evaluated: 2019-11-16. Review status: criteria provided, single submitter. Criteria: Invitae Variant Classification Sherloc (09022015). Collection method: clinical testing. Allele origin: germline.
Comment: This sequence change replaces lysine with arginine at codon 119 of the RAD51C protein (p.Lys119Arg). The lysine residue is moderately conserved and there is a small physicochemical difference between lysine and arginine. This variant is not present in population databases (ExAC no frequency). This variant has not been reported in the literature in individuals with RAD51C-related conditions. Algorithms developed to predict the effect of missense changes on protein structure and function (SIFT, PolyPhen-2, Align-GVGD) all suggest that this variant is likely to be tolerated, but these predictions have not been confirmed by published functional studies and their clinical significance is uncertain. In summary, the available evidence is currently insufficient to determine the role of this variant in disease. Therefore, it has been classified as a Variant of Uncertain Significance.